The following is an entry in ClinVar:

NM_000136.3(FANCC):c.1153G>T (p.Gly385Trp)

Genes: AOPEP (aminopeptidase O (putative); plus strand), FANCC (FA complementation group C; minus strand). Cytogenetic location: 9q22.32.
Variant type: single nucleotide variant.
Coding change: c.1153G>T on transcript NM_000136.3 (MANE Select); coding-DNA position 1153, G replaced by T.
Protein change: p.Gly385Trp; replaces glycine 385 with tryptophan.
Molecular consequence: missense variant.
Genome position (GRCh38, 1-based): chr9:95,114,630, C>A on the plus strand (G>T on the coding strand, the complement: FANCC is on the minus strand). VCF-style: chr9-95114630-C-A. GRCh37 (hg19) VCF-style: chr9-97876912-C-A.
Other names: c.1153G>T, p.Gly385Trp (NM_001243743.2, NM_001243744.2); short protein forms G385W.
Identifiers: ClinVar variation 4022422 (VCV004022422.1).
Genomic context (GRCh38, chr9:95,114,630, plus strand): 5'-ATGAGGATCTAGGGAAACCATGTGTGAAGTAGATTTGGGAGTGGTCAGTGTTTGCTCACC[C>A]ATGAGTCTGGTCTTCAACTGCTTCTCTGAGCAGTTCAGAAATATGCTTCAGTGTCTGGAG-3'
Protein context (NP_000127.2, residues 375-395): LREAVEDQTH[Gly385Trp]SCGGPFESWF

ClinVar aggregate classification (germline): Uncertain significance (1 of 4 stars; one submission).

Conditions:
Hereditary cancer-predisposing syndrome. Also called: Tumor predisposition; Hereditary neoplastic syndrome; Neoplastic Syndromes, Hereditary; Hereditary Cancer Syndrome. Identifiers: Orphanet 140162, MedGen C0027672, MeSH D009386, MONDO:0015356.

Submission:

Ambry Genetics
Classification: Uncertain significance for Hereditary cancer-predisposing syndrome. Last evaluated: 2025-05-18. Review status: criteria provided, single submitter. Criteria: Ambry Variant Classification Scheme 2023. Collection method: clinical testing. Allele origin: germline.
Comment: The p.G385W variant (also known as c.1153G>T), located in coding exon 11 of the FANCC gene, results from a G to T substitution at nucleotide position 1153. The glycine at codon 385 is replaced by tryptophan, an amino acid with highly dissimilar properties. This amino acid position is conserved. In addition, this alteration is predicted to be tolerated by in silico analysis. Based on the available evidence, the clinical significance of this variant remains unclear.